The following is an entry in ClinVar:

NM_001261826.3(AP3D1):c.2590_2592del (p.Lys864del)

Gene: AP3D1 (adaptor related protein complex 3 subunit delta 1; minus strand). Cytogenetic location: 19p13.3.
Variant type: Deletion.
Coding change: c.2590_2592del on transcript NM_001261826.3 (MANE Select); coding-DNA positions 2590 to 2592, 3 bases deleted (AAG; older notation c.2590_2592delAAG).
Protein change: p.Lys864del; deletes lysine 864.
Molecular consequence: inframe deletion.
Genome position (GRCh38, 1-based): chr19:2,114,134-2,114,136, CTT deleted on the plus strand (AAG on the coding strand, the reverse complement: AP3D1 is on the minus strand); deleting any 3 consecutive bases within chr19:2,114,134-2,114,138 gives the same sequence; the c. name uses the placement nearest the transcript's 3' end. VCF-style (leftmost placement, unchanged base first): chr19-2114133-CCTT-C. GRCh37 (hg19) VCF-style: chr19-2114132-CCTT-C.
Other names: c.2590_2592del, p.Lys864del (NM_001374799.1, NM_003938.8); short protein forms K864del.
Identifiers: ClinVar variation 3019333 (VCV003019333.3), dbSNP rs777101397, ClinGen allele CA9058805.

ClinVar aggregate classification (germline): Uncertain significance (1 of 4 stars; one submission).

Submission:

Labcorp Genetics (formerly Invitae), Labcorp
Classification: Uncertain significance. Last evaluated: 2025-01-06. Review status: criteria provided, single submitter. Criteria: Invitae Variant Classification Sherloc (09022015). Collection method: clinical testing. Allele origin: germline.
Comment: This variant, c.2590_2592del, results in the deletion of 1 amino acid(s) of the AP3D1 protein (p.Lys864del), but otherwise preserves the integrity of the reading frame. The frequency data for this variant in the population databases is considered unreliable, as metrics indicate poor data quality at this position in the gnomAD database. This variant has not been reported in the literature in individuals affected with AP3D1-related conditions. ClinVar contains an entry for this variant (Variation ID: 3019333). Experimental studies and prediction algorithms are not available or were not evaluated, and the functional significance of this variant is currently unknown. In summary, the available evidence is currently insufficient to determine the role of this variant in disease. Therefore, it has been classified as a Variant of Uncertain Significance.